The following is an entry in ClinVar:

ClinVar aggregate classification (germline): Uncertain significance (1 of 4 stars; one submission).

Allele frequency attached by ClinVar (database versions not stated): gnomAD exomes 0.00001; ExAC 0.00001; gnomAD 0.00001 and 0.00003; TOPMed 0.00001 and 0.00002.
gnomAD v4.1: 5 of 1,611,404 alleles (0.00031%); highest among the groups gnomAD compares: Admixed American, 0.0084%; no homozygotes.

Submission:

GeneDx
Classification: Uncertain significance. Last evaluated: 2014-08-11. Review status: criteria provided, single submitter. Criteria: GeneDx Variant Classification (06012015). Collection method: clinical testing. Allele origin: germline. Affected: yes.
Comment: Missense variants in the TTN gene are considered 'unclassified' if they are not previously reported in the literature and do not have >1% frequency in the population to be considered a polymorphism. Research indicates that truncating mutations in the TTN gene are expected to account for approximately 25% of familial and 18% of sporadic idiopathic DCM; however, truncating variants in the TTN gene have been reported in approximately 3% of reported control alleles. There has been little investigation into non-truncating variants. (Herman D et al. Truncations of titin causing dilated cardiomyopathy. N Eng J Med 366:619-628, 2012) The variant is found in CARDIOMYOPATHY panel(s).

NM_001267550.2(TTN):c.44970A>G (p.Ile14990Met)

Genes: TTN (titin; minus strand), LOC126806427 (BRD4-independent group 4 enhancer GRCh37_chr2:179485777-179486976; plus strand). Cytogenetic location: 2q31.2.
Variant type: single nucleotide variant.
Coding change: c.44970A>G on transcript NM_001267550.2 (MANE Select); coding-DNA position 44970, A replaced by G.
Protein change: p.Ile14990Met; replaces isoleucine 14990 with methionine.
Molecular consequence: missense variant.
Genome position (GRCh38, 1-based): chr2:178,621,952, T>C on the plus strand (A>G on the coding strand, the complement: TTN is on the minus strand). VCF-style: chr2-178621952-T-C. GRCh37 (hg19) VCF-style: chr2-179486679-T-C.
Other names: p.I13349M:ATA>ATG; c.40047A>G, p.Ile13349Met (NM_001256850.1); c.17775A>G, p.Ile5925Met (NM_003319.4); c.37266A>G, p.Ile12422Met (NM_133378.4); c.18150A>G, p.Ile6050Met (NM_133432.3); c.18351A>G, p.Ile6117Met (NM_133437.4); short protein forms I13349M, I14990M, I12422M, I5925M, I6050M, I6117M.
Identifiers: ClinVar variation 202638 (VCV000202638.2), dbSNP rs766807618, ClinGen allele CA309832.